The following is an entry in ClinVar:

NM_014712.3(SETD1A):c.4701G>C (p.Lys1567Asn)

Gene: SETD1A (SET domain containing 1A, histone lysine methyltransferase; plus strand). Cytogenetic location: 16p11.2.
Variant type: single nucleotide variant.
Coding change: c.4701G>C on transcript NM_014712.3 (MANE Select); coding-DNA position 4701, G replaced by C.
Protein change: p.Lys1567Asn; replaces lysine 1567 with asparagine.
Molecular consequence: missense variant.
Genome position (GRCh38, 1-based): chr16:30,981,069, G>C. VCF-style: chr16-30981069-G-C. GRCh37 (hg19) VCF-style: chr16-30992390-G-C.
Other names: short protein forms K1567N.
Identifiers: ClinVar variation 3952779 (VCV003952779.3).

ClinVar aggregate classification (germline): Uncertain significance. Review status: criteria provided, multiple submitters, no conflicts (2 of 4 stars). 2 submissions from 2 submitters: Uncertain significance (2). Last evaluated 2025-11-25.

Conditions:
Neurodevelopmental disorder with speech impairment and dysmorphic facies. Identifiers: MedGen C5436699, MONDO:0033630, OMIM 619056.
Inborn genetic diseases. Identifiers: MedGen C0950123, MeSH D030342.

gnomAD v4.1: 12 of 1,614,094 alleles (0.00074%); highest among the groups gnomAD compares: Admixed American, 0.013%; no homozygotes.

Submissions (2):

Dasa
Classification: Uncertain significance for Neurodevelopmental disorder with speech impairment and dysmorphic facies. Last evaluated: 2025-11-25. Review status: criteria provided, single submitter. Criteria: DASA Assertion Criteria. Collection method: clinical testing. Allele origin: germline.
Comment: NM_014712.3(SETD1A):c.4701G>C (p.Lys1567Asn) is a missense variant that results in the substitution of lysine with asparagine. This variant is rare in population databases. Computational prediction algorithms are consistent with a deleterious effect. The currently available literature and clinical evidence are not sufficient to establish a definitive association between this variant and the reported condition. Therefore, this variant is classified as a variant of uncertain significance.

Ambry Genetics
Classification: Uncertain significance for Inborn genetic diseases. Last evaluated: 2025-06-06. Review status: criteria provided, single submitter. Criteria: Ambry Variant Classification Scheme 2023. Collection method: clinical testing. Allele origin: germline.